The following is an entry in ClinVar:

ClinVar aggregate classification (germline): Uncertain significance. Review status: criteria provided, multiple submitters, no conflicts (2 of 4 stars). 2 submissions from 2 submitters: Uncertain significance (2). Last evaluated 2024-12-27.

gnomAD v4.1: 5 of 1,614,170 alleles (0.00031%); highest among the groups gnomAD compares: South Asian, 0.0044%; no homozygotes.

Submissions (2):

GeneDx
Classification: Uncertain significance. Last evaluated: 2024-12-27. Review status: criteria provided, single submitter. Criteria: GeneDx Variant Classification Process June 2021. Collection method: clinical testing. Allele origin: germline. Affected: yes.
Comment: Not observed at significant frequency in large population cohorts (gnomAD); In silico analysis indicates that this missense variant does not alter protein structure/function; Has not been previously published as pathogenic or benign to our knowledge; In silico analysis is inconclusive as to whether the variant alters gene splicing. In the absence of RNA/functional studies, the actual effect of this sequence change is unknown.

Blueprint Genetics
Classification: Uncertain significance. Last evaluated: 2023-02-09. Review status: criteria provided, single submitter. Criteria: ACMG Guidelines, 2015. Collection method: clinical testing. Allele origin: germline.

NM_001195263.2(PDZD7):c.233G>A (p.Ser78Asn)

Gene: PDZD7 (PDZ domain containing 7; minus strand). Cytogenetic location: 10q24.31.
Variant type: single nucleotide variant.
Coding change: c.233G>A on transcript NM_001195263.2 (MANE Select); coding-DNA position 233, G replaced by A.
Protein change: p.Ser78Asn; replaces serine 78 with asparagine.
Molecular consequence: missense variant.
Genome position (GRCh38, 1-based): chr10:101,024,062, C>T on the plus strand (G>A on the coding strand, the complement: PDZD7 is on the minus strand). VCF-style: chr10-101024062-C-T. GRCh37 (hg19) VCF-style: chr10-102783819-C-T.
Other names: c.233G>A, p.Ser78Asn (NM_001351044.2, NM_024895.5); short protein forms S78N.
Identifiers: ClinVar variation 3907936 (VCV003907936.2).
Genomic context (GRCh38, chr10:101,024,062, plus strand): 5'-CCCAGCCTCCCTGCTGGACTCTTCTCCACCCGGACTGAATGGATGATGTCACTTTCATCA[C>T]TGTTGGCTGTGAGGACAGGGATTTAGGGATGCCCCCATGTTCATTGTGGGCACAGAGGGC-3'
Protein context (NP_001182192.1, residues 68-88): ILINSPIEAN[Ser78Asn]DESDIIHSVR